The following is an entry in ClinVar:

ClinVar aggregate classification (germline): Uncertain significance. Review status: criteria provided, multiple submitters, no conflicts (2 of 4 stars). 7 submissions from 7 submitters: Uncertain significance (6). 1 of the submissions does not count toward it. Last evaluated 2025-12-16.

Conditions:
Catecholaminergic polymorphic ventricular tachycardia 1. Also called: VENTRICULAR TACHYCARDIA, CATECHOLAMINERGIC POLYMORPHIC, 1, WITH OR WITHOUT ATRIAL DYSFUNCTION AND/OR DILATED CARDIOMYOPATHY; VENTRICULAR TACHYCARDIA, STRESS-INDUCED POLYMORPHIC 1; RYR2-Related Catecholaminergic Polymorphic Ventricular Tachycardia. Identifiers: Orphanet 3286, MedGen C1631597, MONDO:0011484, OMIM 604772.
Cardiovascular phenotype. Identifiers: MedGen CN230736.
Sudden cardiac arrest. Identifiers: MedGen C1720824, MONDO:0100511, MONDO:0007264.
Catecholaminergic polymorphic ventricular tachycardia (CVPT). Also called: Catecholamine-induced polymorphic ventricular tachycardia. Identifiers: Orphanet 3286, MedGen C5574922, MONDO:0017990.
Cardiomyopathy (CMYO). Also called: Cardiomyopathies. Identifiers: Orphanet 167848, MedGen C0878544, MONDO:0004994, HP:0001638. Inheritance: Various modes of inheritance.

Allele frequency attached by ClinVar (database versions not stated): gnomAD exomes 0.00002; gnomAD 0.00003 and 0.00001; TOPMed below 0.00001; 1000 Genomes Project 30x 0.00016.
gnomAD v4.1: 14 of 1,448,292 alleles (0.00097%); highest among the groups gnomAD compares: East Asian, 0.0026%; no homozygotes.

Submissions (7):

Ambry Genetics
Classification: Uncertain significance for Cardiovascular phenotype. Last evaluated: 2025-12-16. Review status: criteria provided, single submitter. Criteria: Ambry Variant Classification Scheme 2023. Collection method: clinical testing. Allele origin: germline.

Labcorp Genetics (formerly Invitae), Labcorp
Classification: Uncertain significance for Catecholaminergic polymorphic ventricular tachycardia 1. Last evaluated: 2025-12-08. Review status: criteria provided, single submitter. Criteria: Invitae Variant Classification Sherloc (09022015). Collection method: clinical testing. Allele origin: germline.
Comment: This sequence change replaces arginine, which is basic and polar, with histidine, which is basic and polar, at codon 2805 of the RYR2 protein (p.Arg2805His). The frequency data for this variant in the population databases is considered unreliable, as metrics indicate poor data quality at this position in the gnomAD database. This variant has not been reported in the literature in individuals affected with RYR2-related conditions. ClinVar contains an entry for this variant (Variation ID: 453215). Invitae Evidence Modeling of protein sequence and biophysical properties (such as structural, functional, and spatial information, amino acid conservation, physicochemical variation, residue mobility, and thermodynamic stability) has been performed for this missense variant. However, the output from this modeling did not meet the statistical confidence thresholds required to predict the impact of this variant on RYR2 protein function. In summary, the available evidence is currently insufficient to determine the role of this variant in disease. Therefore, it has been classified as a Variant of Uncertain Significance.

Color Diagnostics, LLC DBA Color Health
Classification: Uncertain significance for Cardiomyopathy. Last evaluated: 2025-10-07. Review status: criteria provided, single submitter. Criteria: ACMG Guidelines, 2015. Collection method: clinical testing. Allele origin: germline.
Comment: This missense variant replaces arginine with histidine at codon 2805 of the RYR2 protein. Computational prediction is inconclusive regarding the impact of this variant on protein structure and function. To our knowledge, functional studies have not been reported for this variant. This variant has not been reported in individuals affected with RYR2-related disorders in the literature. This variant has been identified in 14/1448292 chromosomes in the general population by the Genome Aggregation Database (gnomAD). The available evidence is insufficient to determine the role of this variant in disease conclusively. Therefore, this variant is classified as a Variant of Uncertain Significance.

Molecular Diagnostic Laboratory for Inherited Cardiovascular Disease, Montreal Heart Institute
Classification: Uncertain significance for Cardiovascular phenotype. Last evaluated: 2025-04-09. Review status: criteria provided, single submitter. Criteria: ACMG Guidelines, 2015. Collection method: clinical testing. Allele origin: germline. Affected: yes.
Comment: PM2, PP2, PP3

All of Us Research Program, National Institutes of Health
Classification: Uncertain significance for Catecholaminergic polymorphic ventricular tachycardia. Last evaluated: 2023-10-06. Review status: criteria provided, single submitter. Criteria: ACMG Guidelines, 2015. Collection method: clinical testing. Allele origin: germline. Inheritance: Autosomal dominant inheritance. Observed: 2 variant alleles, 2 heterozygotes.
Comment: This missense variant replaces arginine with histidine at codon 2805 of the RYR2 protein. Computational prediction is inconclusive regarding the impact of this variant on protein structure and function (internally defined REVEL score threshold 0.5 < inconclusive < 0.7, PMID: 27666373). To our knowledge, functional studies have not been reported for this variant. This variant has not been reported in individuals affected with RYR2-related disorders in the literature, however, it was detected in one stillbirth case (PMID: 30615648). This variant has been identified in 3/150324 chromosomes in the general population by the Genome Aggregation Database (gnomAD). The available evidence is insufficient to determine the role of this variant in disease conclusively. Therefore, this variant is classified as a Variant of Uncertain Significance.

This study involves interpretation of variants in research participants for the purpose of population health screening. Participant phenotype was not available at the time of variant classification. Additional details can be found in publication PMID: 35346344, PMCID: PMC8962531

GeneDx
Classification: Uncertain significance. Last evaluated: 2020-04-10. Review status: criteria provided, single submitter. Criteria: GeneDx Variant Classification Process June 2021. Collection method: clinical testing. Allele origin: germline. Affected: yes.
Comment: Not observed at a significant frequency in large population cohorts (Lek et al., 2016); In silico analysis supports that this missense variant has a deleterious effect on protein structure/function; Has not been previously published as pathogenic or benign to our knowledge

Agnes Ginges Centre for Molecular Cardiology, Centenary Institute
Classification: Uncertain significance for Sudden cardiac arrest. Last evaluated: 2020-04-07. Review status: no assertion criteria provided. Collection method: research. Allele origin: germline. Inheritance: Autosomal dominant inheritance. Affected: yes. Not counted in ClinVar's aggregate classification.
Comment: This variant has been identified as part of our research program. For further information please feel free to contact us.

Literature cited by the submitters: PubMed 30615648 (cited by All of Us Research Program, National Institutes of Health).

NM_001035.3(RYR2):c.8414G>A (p.Arg2805His)

Gene: RYR2 (ryanodine receptor 2; plus strand). Cytogenetic location: 1q43.
Variant type: single nucleotide variant.
Coding change: c.8414G>A on transcript NM_001035.3 (MANE Select); coding-DNA position 8414, G replaced by A.
Protein change: p.Arg2805His; replaces arginine 2805 with histidine.
Molecular consequence: missense variant.
Genome position (GRCh38, 1-based): chr1:237,660,925, G>A. VCF-style: chr1-237660925-G-A. GRCh37 (hg19) VCF-style: chr1-237824225-G-A.
Other names: c.8414G>A, p.Arg2805His (LRG_402t1); short protein forms R2805H.
Identifiers: ClinVar variation 453215 (VCV000453215.26), dbSNP rs1247067433, ClinGen allele CA345401979.